The following is an entry in ClinVar:

NM_020812.4(DOCK6):c.760C>T (p.Arg254Cys)

Gene: DOCK6 (dedicator of cytokinesis 6; minus strand). Cytogenetic location: 19p13.2.
Variant type: single nucleotide variant.
Coding change: c.760C>T on transcript NM_020812.4 (MANE Select); coding-DNA position 760, C replaced by T.
Protein change: p.Arg254Cys; replaces arginine 254 with cysteine.
Molecular consequence: missense variant.
Genome position (GRCh38, 1-based): chr19:11,248,112, G>A on the plus strand (C>T on the coding strand, the complement: DOCK6 is on the minus strand). VCF-style: chr19-11248112-G-A. GRCh37 (hg19) VCF-style: chr19-11358788-G-A.
Other names: c.760C>T, p.Arg254Cys (NM_001367830.1); short protein forms R254C.
Identifiers: ClinVar variation 735289 (VCV000735289.35), dbSNP rs144085374, ClinGen allele CA9208352.

ClinVar aggregate classification (germline): Benign/Likely benign. Review status: criteria provided, multiple submitters, no conflicts (2 of 4 stars). 3 submissions from 3 submitters: Benign (2); Likely benign (1). Last evaluated 2026-01-28.

Allele frequency attached by ClinVar (database versions not stated): 1000 Genomes Project 30x 0.00390; 1000 Genomes Project 0.00399; TOPMed 0.00015; gnomAD 0.00032.

Submissions (3):

Labcorp Genetics (formerly Invitae), Labcorp
Classification: Benign. Last evaluated: 2026-01-28. Review status: criteria provided, single submitter. Criteria: Invitae Variant Classification Sherloc (09022015). Collection method: clinical testing. Allele origin: germline.

Blueprint Genetics
Classification: Likely benign. Last evaluated: 2024-10-30. Review status: criteria provided, single submitter. Criteria: ACMG Guidelines, 2015. Collection method: clinical testing. Allele origin: germline.

CeGaT Center for Human Genetics Tuebingen
Classification: Benign. Last evaluated: 2023-03-01. Review status: criteria provided, single submitter. Criteria: CeGaT Center For Human Genetics Tuebingen Variant Classification Criteria Version 2. Collection method: clinical testing. Allele origin: germline. Affected: yes. Observed: 1 variant allele.
Comment: DOCK6: BP4, BS1, BS2